The following is an entry in ClinVar:

NM_000535.7(PMS2):c.706-13T>C

Gene: PMS2 (PMS1 homolog 2, mismatch repair system component; minus strand). Cytogenetic location: 7p22.1.
Variant type: single nucleotide variant.
Coding change: c.706-13T>C on transcript NM_000535.7 (MANE Select); 13 bases into the intron before coding-DNA position 706, T replaced by C.
Molecular consequence: intron variant.
Genome position (GRCh38, 1-based): chr7:5,997,436, A>G on the plus strand (T>C on the coding strand, the complement: PMS2 is on the minus strand). VCF-style: chr7-5997436-A-G. GRCh37 (hg19) VCF-style: chr7-6037067-A-G.
Other names: c.388-13T>C (NM_001322008.2, NM_001322007.2); c.301-13T>C (NM_001322010.2, NM_001322004.2, NM_001322003.2 and 2 more transcripts); c.133-13T>C (NM_001322013.2); c.-228-13T>C (NM_001322012.2, NM_001322011.2); c.397-13T>C (NM_001322015.2); c.706-13T>C (NM_001322006.2, NM_001322014.2).
Identifiers: ClinVar variation 182812 (VCV000182812.8), dbSNP rs730881918, ClinGen allele CA012608.

ClinVar aggregate classification (germline): Conflicting classifications of pathogenicity. Review status: criteria provided, conflicting classifications (1 of 4 stars). 7 submissions from 7 submitters: Uncertain significance (1); Benign (1); Likely benign (4). 1 of the submissions does not count toward it. Last evaluated 2025-01-28.

Conditions:
Hereditary cancer-predisposing syndrome. Also called: Tumor predisposition; Neoplastic Syndromes, Hereditary; Hereditary neoplastic syndrome; Hereditary Cancer Syndrome. Identifiers: Orphanet 140162, MedGen C0027672, MeSH D009386, MONDO:0015356.
Lynch syndrome. Identifiers: Orphanet 144, MedGen C4552100, MONDO:0005835. Disease mechanism: loss of function.
Lynch syndrome 4 (LYNCH4). Also called: Colorectal cancer, hereditary nonpolyposis, type 4; Hereditary non-polyposis colorectal cancer, type 4. Identifiers: Orphanet 144, MedGen C1838333, MONDO:0013699, OMIM 614337. Disease mechanism: loss of function.
Malignant tumor of breast. Also called: Malignant breast neoplasm; Cancer breast. Identifiers: MedGen C0006142, MONDO:0007254. Disease mechanism: loss of function.

Allele frequency attached by ClinVar (database versions not stated): gnomAD exomes 0.00001 and 0.00002; TOPMed 0.00001.
gnomAD v4.1: 15 of 1,505,134 alleles (0.001%); highest among the groups gnomAD compares: Admixed American, 0.0017%; no homozygotes.

Submissions (7):

Myriad Genetics, Inc.
Classification: Likely benign for Lynch syndrome 4. Last evaluated: 2025-01-28. Review status: criteria provided, single submitter. Criteria: Myriad Autosomal Dominant, Autosomal Recessive and X-Linked Classification Criteria (2023). Collection method: clinical testing. Allele origin: unknown.
Comment: This variant is considered likely benign. This variant is intronic and is not expected to impact mRNA splicing.

Blueprint Genetics
Classification: Likely benign. Last evaluated: 2024-06-24. Review status: criteria provided, single submitter. Criteria: ACMG Guidelines, 2015. Collection method: clinical testing. Allele origin: germline.

All of Us Research Program, National Institutes of Health
Classification: Likely benign for Lynch syndrome. Last evaluated: 2023-06-26. Review status: criteria provided, single submitter. Criteria: ACMG Guidelines, 2015. Collection method: clinical testing. Allele origin: germline. Inheritance: Autosomal dominant inheritance. Observed: 2 variant alleles, 2 heterozygotes.
Comment: This study involves interpretation of variants in research participants for the purpose of population health screening. Participant phenotype was not available at the time of variant classification. Additional details can be found in publication PMID: 35346344, PMCID: PMC8962531

Sema4
Classification: Uncertain significance for Hereditary cancer-predisposing syndrome. Last evaluated: 2021-08-12. Review status: criteria provided, single submitter. Criteria: Sema4 Curation Guidelines. Collection method: curation. Allele origin: germline.
Comment: The PMS2 c.706-13T>C variant has not been reported in the literature to our knowledge. It was observed in 4/106650 chromosomes of the Non-Finnish European subpopulation in the large and broad cohorts of the Genome Aggregation Database (PMID: 32461654). The variant has been reported in ClinVar (Variation ID 182812). In silico tools suggest that the variant may not have an impact on splicing, though these predictions have not been confirmed by functional studies. The evidence is insufficient to meet ACMG/AMP criteria for classifying the variant as benign or pathogenic. Thus, the clinical significance of this variant is currently uncertain.

Color Diagnostics, LLC DBA Color Health
Classification: Likely benign for Hereditary cancer-predisposing syndrome. Last evaluated: 2019-08-22. Review status: criteria provided, single submitter. Criteria: ACMG Guidelines, 2015. Collection method: clinical testing. Allele origin: germline.

GeneDx
Classification: Benign. Last evaluated: 2014-08-05. Review status: criteria provided, single submitter. Criteria: GeneDx Variant Classification (06012015). Collection method: clinical testing. Allele origin: germline. Affected: yes.
Comment: This variant is considered likely benign or benign based on one or more of the following criteria: it is a conservative change, it occurs at a poorly conserved position in the protein, it is predicted to be benign by multiple in silico algorithms, and/or has population frequency not consistent with disease.

Department of Pathology and Laboratory Medicine, Sinai Health System
Classification: Likely benign for Malignant tumor of breast. Review status: no assertion criteria provided. Collection method: clinical testing. Allele origin: unknown. Affected: yes. Study: The Canadian Open Genetics Repository (COGR). Not counted in ClinVar's aggregate classification.
Comment: The PMS2 c.706-13T>C variant was not identified in the literature. The variant was identified in dbSNP (rs730881918) as â€šÃ„Ãºwith benign alleleâ€šÃ„Ã¹ and ClinVar (classified as benign by GeneDx). The variant was identified in control databases in 5 of 236,444 chromosomes at a frequency of 0.00002 (Genome Aggregation Database Feb 27, 2017). The variant was observed in the following populations: European in 4 of 106,650 chromosomes (freq: 0.00004) and Latino in 1 of 32,698 chromosomes (freq: 0.00003), while it was not observed in the African, Ashkenazi Jewish, East Asian, Finnish, Other or South Asian populations. The variant occurs at a non-highly conserved nucleotide outside of the splicing consensus sequence and in silico or computational prediction software programs (SpliceSiteFinder, MaxEntScan, NNSPLICE, GeneSplicer, HumanSpliceFinder) do not predict a difference in splicing. In summary, based on the above information, the clinical significance of this variant cannot be determined with certainty at this time although we would lean towards a more benign role for this variant. This variant is classified as likely benign.